The following is an entry in ClinVar:

NM_001261826.3(AP3D1):c.1411A>T (p.Ser471Cys)

Gene: AP3D1 (adaptor related protein complex 3 subunit delta 1; minus strand). Cytogenetic location: 19p13.3.
Variant type: single nucleotide variant.
Coding change: c.1411A>T on transcript NM_001261826.3 (MANE Select); coding-DNA position 1411, A replaced by T.
Protein change: p.Ser471Cys; replaces serine 471 with cysteine.
Molecular consequence: missense variant.
Genome position (GRCh38, 1-based): chr19:2,120,932, T>A on the plus strand (A>T on the coding strand, the complement: AP3D1 is on the minus strand). VCF-style: chr19-2120932-T-A. GRCh37 (hg19) VCF-style: chr19-2120931-T-A.
Other names: c.1411A>T, p.Ser471Cys (NM_001374799.1, NM_003938.8); c.1411A>T (NM_003938.5); short protein forms S471C.
Identifiers: ClinVar variation 1431563 (VCV001431563.7), dbSNP rs767249856, ClinGen allele CA9059325.

ClinVar aggregate classification (germline): Uncertain significance. Review status: criteria provided, multiple submitters, no conflicts (2 of 4 stars). 2 submissions from 2 submitters: Uncertain significance (2). Last evaluated 2025-08-13.

Conditions:
Inborn genetic diseases. Identifiers: MedGen C0950123, MeSH D030342.

Allele frequency attached by ClinVar (database versions not stated): gnomAD 0.00004 and 0.00005; ExAC 0.00007; TOPMed 0.00009.
gnomAD v4.1: 53 of 1,611,846 alleles (0.0033%); highest among the groups gnomAD compares: Admixed American, 0.043%; no homozygotes.

Submissions (2):

Labcorp Genetics (formerly Invitae), Labcorp
Classification: Uncertain significance. Last evaluated: 2025-08-13. Review status: criteria provided, single submitter. Criteria: Invitae Variant Classification Sherloc (09022015). Collection method: clinical testing. Allele origin: germline.
Comment: This sequence change replaces serine, which is neutral and polar, with cysteine, which is neutral and slightly polar, at codon 471 of the AP3D1 protein (p.Ser471Cys). This variant is present in population databases (rs767249856, gnomAD 0.04%). This variant has not been reported in the literature in individuals affected with AP3D1-related conditions. ClinVar contains an entry for this variant (Variation ID: 1431563). An algorithm developed to predict the effect of missense changes on protein structure and function (PolyPhen-2) suggests that this variant is likely to be tolerated. In summary, the available evidence is currently insufficient to determine the role of this variant in disease. Therefore, it has been classified as a Variant of Uncertain Significance.

Ambry Genetics
Classification: Uncertain significance for Inborn genetic diseases. Last evaluated: 2024-06-04. Review status: criteria provided, single submitter. Criteria: Ambry Variant Classification Scheme 2023. Collection method: clinical testing. Allele origin: germline.